The following is an entry in ClinVar:

ClinVar aggregate classification (germline): Benign. Review status: criteria provided, multiple submitters, no conflicts (2 of 4 stars). 2 submissions from 2 submitters: Benign (2). Last evaluated 2018-01-13.

Conditions:
Hypophosphatasia. Also called: Phosphoethanol-aminuria. Identifiers: Orphanet 436, MedGen C0020630, MeSH D007014, MONDO:0018570.

Allele frequency attached by ClinVar (database versions not stated): gnomAD 0.09301 and 0.10478; TOPMed 0.11107; gnomAD exomes 0.13746; 1000 Genomes Project 30x 0.21299; 1000 Genomes Project 0.22204.
gnomAD v4.1: 23,701 of 209,070 alleles (11%); highest among the groups gnomAD compares: East Asian, 56%; 2,928 homozygotes.

Submissions (2):

Illumina Laboratory Services, Illumina
Classification: Benign for Hypophosphatasia. Last evaluated: 2018-01-13. Review status: criteria provided, single submitter. Criteria: ICSL Variant Classification Criteria 13 December 2019. Collection method: clinical testing. Allele origin: germline.
Comment: This variant was observed in the ICSL laboratory as part of a predisposition screen in an ostensibly healthy population. It had not been previously curated by ICSL or reported in the Human Gene Mutation Database (HGMD: prior to June 1st, 2018), and was therefore a candidate for classification through an automated scoring system. Utilizing variant allele frequency, disease prevalence and penetrance estimates, and inheritance mode, an automated score was calculated to assess if this variant is too frequent to cause the disease. Based on the score and internal cut-off values, a variant classified as benign is not then subjected to further curation. The score for this variant resulted in a classification of benign for this disease.

Breakthrough Genomics
Classification: Benign. Review status: criteria provided, single submitter. Criteria: ACMG Guidelines, 2015. Collection method: not provided. Allele origin: germline. Inheritance: Autosomal recessive inheritance. Affected: yes.

NM_000478.6(ALPL):c.*433A>G

Gene: ALPL (alkaline phosphatase, biomineralization associated; plus strand). Cytogenetic location: 1p36.12.
Variant type: single nucleotide variant.
Coding change: c.*433A>G on transcript NM_000478.6 (MANE Select); 433 bases downstream of the stop codon, A replaced by G.
Molecular consequence: 3 prime UTR variant.
Genome position (GRCh38, 1-based): chr1:21,578,081, A>G. VCF-style: chr1-21578081-A-G. GRCh37 (hg19) VCF-style: chr1-21904574-A-G.
Other names: c.*433A>G (NM_001127501.4, NM_001177520.3, NM_001369803.2 and 2 more transcripts).
Identifiers: ClinVar variation 295567 (VCV000295567.6), dbSNP rs2242421, ClinGen allele CA10609830.
Genomic context (GRCh38, chr1:21,578,081, plus strand): 5'-TCTCATCTCCTGACCCTCCCACTCCCATCTCCTTACCTCTGGAACCCCCCAGGCCCTACA[A>G]TGCTCATGTCCCTGTCCCCAGGCCCAGCCCTCCTTCAGGGGAGTTGAGGTCTTTCTCCTC-3'